The following is an entry in ClinVar:

ClinVar aggregate classification (germline): Uncertain significance (1 of 4 stars; one submission).

Submission:

GeneDx
Classification: Uncertain significance. Last evaluated: 2019-10-10. Review status: criteria provided, single submitter. Criteria: GeneDx Variant Classification Process June 2021. Collection method: clinical testing. Allele origin: germline. Affected: yes.
Comment: Not observed in large population cohorts (Lek et al., 2016); In silico analysis, which includes protein predictors and evolutionary conservation, supports that this variant does not alter protein structure/function; Has not been previously published as pathogenic or benign to our knowledge

NM_001170629.2(CHD8):c.1612C>A (p.Pro538Thr)

Gene: CHD8 (chromodomain helicase DNA binding protein 8; minus strand). Cytogenetic location: 14q11.2.
Variant type: single nucleotide variant.
Coding change: c.1612C>A on transcript NM_001170629.2 (MANE Select); coding-DNA position 1612, C replaced by A.
Protein change: p.Pro538Thr; replaces proline 538 with threonine.
Molecular consequence: missense variant.
Genome position (GRCh38, 1-based): chr14:21,426,232, G>T on the plus strand (C>A on the coding strand, the complement: CHD8 is on the minus strand). VCF-style: chr14-21426232-G-T. GRCh37 (hg19) VCF-style: chr14-21894391-G-T.
Other names: c.775C>A, p.Pro259Thr (NM_020920.4); short protein forms P259T, P538T.
Identifiers: ClinVar variation 1199089 (VCV001199089.2), dbSNP rs1456299794, ClinGen allele CA388881843.